The following is an entry in ClinVar:

ClinVar aggregate classification (germline): Pathogenic. Review status: criteria provided, single submitter (1 of 4 stars). 2 submissions from 2 submitters: Pathogenic (1). 1 of the submissions does not count toward it. Last evaluated 2020-01-31.

Conditions:
Hyper-IgM syndrome type 1. Also called: Hyper-IgM Immunodeficiency Syndrome, Type 1; CD40 Ligand Deficiency; Immunodeficiency, X-linked, with hyper-IgM; X-linked hyper-IgM syndrome. Identifiers: Orphanet 101088, MedGen C0398689, MONDO:0010626, OMIM 308230.

Submissions (2):

Labcorp Genetics (formerly Invitae), Labcorp
Classification: Pathogenic for Hyper-IgM syndrome type 1. Last evaluated: 2020-01-31. Review status: criteria provided, single submitter. Criteria: Invitae Variant Classification Sherloc (09022015). Collection method: clinical testing. Allele origin: germline.
Comment: For these reasons, this variant has been classified as Pathogenic. Experimental studies have shown that this missense change disrupts CD40LG protein function (PMID: 8094231, 10559240). This variant has been observed in several individuals with X linked hyper-IgM syndrome (XHIM), and has been shown to segregate with disease in one family (PMID: 15623492, 8094231). ClinVar contains an entry for this variant (Variation ID: 11168). This variant is not present in population databases (ExAC no frequency). This sequence change replaces alanine with glutamic acid at codon 123 of the CD40LG protein (p.Ala123Glu). The alanine residue is highly conserved and there is a moderate physicochemical difference between alanine and glutamic acid.

OMIM
Classification: Pathogenic for IMMUNODEFICIENCY WITH HYPER-IgM, TYPE 1. Last evaluated: 1993-02-11. Review status: no assertion criteria provided. Collection method: literature only. Allele origin: germline. Not counted in ClinVar's aggregate classification.

Literature cited by the submitters: PubMed 8094231 (cited by Labcorp Genetics (formerly Invitae), Labcorp and OMIM); PubMed 10559240 (cited by Labcorp Genetics (formerly Invitae), Labcorp); PubMed 15623492 (cited by Labcorp Genetics (formerly Invitae), Labcorp).

NM_000074.3(CD40LG):c.368C>A (p.Ala123Glu)

Gene: CD40LG (CD40 ligand; plus strand). Cytogenetic location: Xq26.3.
Variant type: single nucleotide variant.
Coding change: c.368C>A on transcript NM_000074.3 (MANE Select); coding-DNA position 368, C replaced by A.
Protein change: p.Ala123Glu; replaces alanine 123 with glutamic acid.
Molecular consequence: missense variant.
Genome position (GRCh38, 1-based): chrX:136,656,377, C>A. VCF-style: chrX-136656377-C-A. GRCh37 (hg19) VCF-style: chrX-135738536-C-A.
Other names: short protein forms A123E.
Identifiers: ClinVar variation 11168 (VCV000011168.11), dbSNP rs104894778, ClinGen allele CA255756.